The following is an entry in ClinVar:

ClinVar aggregate classification (germline): Uncertain significance. Review status: criteria provided, multiple submitters, no conflicts (2 of 4 stars). 2 submissions from 2 submitters: Uncertain significance (2). Last evaluated 2026-06-06.

Conditions:
Dystonia 12 (DYT12). Also called: Rapid-Onset Dystonia-Parkinsonism (RDP); DYT-ATP1A3. Identifiers: Orphanet 71517, MedGen C1868681, MONDO:0007496, OMIM 128235.

Submissions (2):

GeneDx
Classification: Uncertain significance. Last evaluated: 2026-06-06. Review status: criteria provided, single submitter. Criteria: GeneDx Variant Classification Process June 2021. Collection method: clinical testing. Allele origin: germline.
Comment: Not observed at significant frequency in large population cohorts (gnomAD); In silico analysis supports that this missense variant has a deleterious effect on protein structure/function; Has not been previously published as pathogenic or benign to our knowledge

Labcorp Genetics (formerly Invitae), Labcorp
Classification: Uncertain significance for Dystonia 12. Last evaluated: 2022-10-28. Review status: criteria provided, single submitter. Criteria: Invitae Variant Classification Sherloc (09022015). Collection method: clinical testing. Allele origin: germline.
Comment: This sequence change replaces alanine, which is neutral and non-polar, with valine, which is neutral and non-polar, at codon 592 of the ATP1A3 protein (p.Ala592Val). This variant is not present in population databases (gnomAD no frequency). In summary, the available evidence is currently insufficient to determine the role of this variant in disease. Therefore, it has been classified as a Variant of Uncertain Significance. Advanced modeling of protein sequence and biophysical properties (such as structural, functional, and spatial information, amino acid conservation, physicochemical variation, residue mobility, and thermodynamic stability) performed at Invitae indicates that this missense variant is expected to disrupt ATP1A3 protein function. ClinVar contains an entry for this variant (Variation ID: 1037067). This variant has not been reported in the literature in individuals affected with ATP1A3-related conditions.

NM_152296.5(ATP1A3):c.1775C>T (p.Ala592Val)

Gene: ATP1A3 (ATPase Na+/K+ transporting subunit alpha 3; minus strand). Cytogenetic location: 19q13.2.
Variant type: single nucleotide variant.
Coding change: c.1775C>T on transcript NM_152296.5 (MANE Select); coding-DNA position 1775, C replaced by T.
Protein change: p.Ala592Val; replaces alanine 592 with valine.
Molecular consequence: missense variant.
Genome position (GRCh38, 1-based): chr19:41,978,182, G>A on the plus strand (C>T on the coding strand, the complement: ATP1A3 is on the minus strand). VCF-style: chr19-41978182-G-A. GRCh37 (hg19) VCF-style: chr19-42482334-G-A.
Other names: c.1775C>T (NM_152296.4); c.1808C>T, p.Ala603Val (NM_001256213.2); c.1814C>T, p.Ala605Val (NM_001256214.2); short protein forms A605V, A592V, A603V.
Identifiers: ClinVar variation 1037067 (VCV001037067.10), dbSNP rs1599715351, ClinGen allele CA406045505.
Genomic context (GRCh38, chr19:41,978,182, plus strand): 5'-TTGCCTCCCCCAGCCACCCCAAGCCACACCTTGATGCCTGCGCTGCGACACTTGCCCACC[G>A]CGTCAGGGACGGCTGCCCGGGGTGGGTCGATCATGGACATGAGGCCCACAAAGCAGAGGT-3'
Protein context (NP_689509.1, residues 582-602): IDPPRAAVPD[Ala592Val]VGKCRSAGIK